The following is an entry in ClinVar:

NM_000147.5(FUCA1):c.607del (p.Thr203fs)

Gene: FUCA1 (alpha-L-fucosidase 1; minus strand). Cytogenetic location: 1p36.11.
Variant type: Deletion.
Coding change: c.607del on transcript NM_000147.5 (MANE Select); coding-DNA position 607, one base deleted (A; older notation c.607delA).
Protein change: p.Thr203fs; shifts the reading frame from threonine 203.
Molecular consequence: frameshift variant. On other transcripts: non-coding transcript variant (4).
Genome position (GRCh38, 1-based): chr1:23,863,189, T deleted on the plus strand (A on the coding strand, the reverse complement: FUCA1 is on the minus strand); the first of 4 consecutive T bases (chr1:23,863,189-23,863,192); deleting any one gives the same sequence. VCF-style (leftmost placement, unchanged base first): chr1-23863188-GT-G. GRCh37 (hg19) VCF-style: chr1-24189678-GT-G.
Other names: short protein forms T203fs.
Identifiers: ClinVar variation 2878433 (VCV002878433.3), dbSNP rs2521730880, ClinGen allele CA2644085183.

ClinVar aggregate classification (germline): Pathogenic (1 of 4 stars; one submission).

Conditions:
Fucosidosis. Also called: ALPHA-L-FUCOSIDASE DEFICIENCY. Identifiers: Orphanet 349, MedGen C0016788, MONDO:0009254, OMIM 230000.

Submission:

Labcorp Genetics (formerly Invitae), Labcorp
Classification: Pathogenic for Fucosidosis. Last evaluated: 2023-05-31. Review status: criteria provided, single submitter. Criteria: Invitae Variant Classification Sherloc (09022015). Collection method: clinical testing. Allele origin: germline.
Comment: This sequence change creates a premature translational stop signal (p.Thr203Hisfs*24) in the FUCA1 gene. It is expected to result in an absent or disrupted protein product. Loss-of-function variants in FUCA1 are known to be pathogenic (PMID: 10094192). This variant is not present in population databases (gnomAD no frequency). This variant has not been reported in the literature in individuals affected with FUCA1-related conditions. For these reasons, this variant has been classified as Pathogenic.

Literature cited by the submitters: PubMed 10094192.